The following is an entry in ClinVar:

ClinVar aggregate classification (germline): Uncertain significance (1 of 4 stars; one submission).

Conditions:
BAP1-related tumor predisposition syndrome (TPDS1). Also called: COMMON Syndrome; TUMOR PREDISPOSITION SYNDROME 1; BAP1 tumor predisposition syndrome; Tumor susceptibility linked to germline BAP1 mutations. Identifiers: Orphanet 289539, MedGen C3280492, MONDO:0013692, OMIM 614327.

Submission:

Institute for Clinical Genetics, University Hospital TU Dresden, University Hospital TU Dresden
Classification: Uncertain significance for BAP1-related tumor predisposition syndrome. Last evaluated: 2023-06-12. Review status: criteria provided, single submitter. Criteria: ACMG Guidelines, 2015. Collection method: clinical testing. Allele origin: germline. Affected: yes.
Comment: PM2_SUP, PVS1_STR

NM_004656.4(BAP1):c.2057-3C>G

Gene: BAP1 (BRCA1 associated deubiquitinase 1; minus strand). Cytogenetic location: 3p21.1.
Variant type: single nucleotide variant.
Coding change: c.2057-3C>G on transcript NM_004656.4 (MANE Select); 3 bases into the intron before coding-DNA position 2057, C replaced by G.
Molecular consequence: intron variant.
Genome position (GRCh38, 1-based): chr3:52,402,424, G>C on the plus strand (C>G on the coding strand, the complement: BAP1 is on the minus strand). VCF-style: chr3-52402424-G-C. GRCh37 (hg19) VCF-style: chr3-52436440-G-C.
Other names: c.2003-3C>G (NM_001410772.1).
Identifiers: ClinVar variation 2576154 (VCV002576154.2), dbSNP rs1704988328, ClinGen allele CA2580616475.
Genomic context (GRCh38, chr3:52,402,424, plus strand): 5'-CTGACCCCTTGGCGCCGCCGCACGGAGATGTTCTGCTCCACTAGGTTGGCCAGCATGCCT[G>C]CGAAGAGGTAGAGACCCTTGAGCAGGTGCTGGCTGCCTCAGGCCAGGAGCTGAGGCTCTC-3'